The following is an entry in ClinVar:

NM_001365536.1(SCN9A):c.1207A>C (p.Met403Leu)

Genes: SCN1A-AS1 (SCN1A and SCN9A antisense RNA 1; plus strand), SCN9A (sodium voltage-gated channel alpha subunit 9; minus strand). Cytogenetic location: 2q24.3.
Variant type: single nucleotide variant.
Coding change: c.1207A>C on transcript NM_001365536.1 (MANE Select); coding-DNA position 1207, A replaced by C.
Protein change: p.Met403Leu; replaces methionine 403 with leucine.
Molecular consequence: missense variant.
Genome position (GRCh38, 1-based): chr2:166,288,544, T>G on the plus strand (A>C on the coding strand, the complement: SCN9A is on the minus strand). VCF-style: chr2-166288544-T-G. GRCh37 (hg19) VCF-style: chr2-167145054-T-G.
Other names: c.1207A>C, p.Met403Leu (NM_002977.4); short protein forms M403L.
Identifiers: ClinVar variation 331993 (VCV000331993.15), dbSNP rs746956041, ClinGen allele CA10612824.

ClinVar aggregate classification (germline): Uncertain significance. Review status: criteria provided, multiple submitters, no conflicts (2 of 4 stars). 5 submissions from 3 submitters: Uncertain significance (5). Last evaluated 2025-12-23.

Conditions:
Channelopathy-associated congenital insensitivity to pain, autosomal recessive. Also called: Insensitivity to pain, channelopathy-associated; ASYMBOLIA FOR PAIN; CONGENITAL ANALGESIA, AUTOSOMAL RECESSIVE. Identifiers: Orphanet 88642, Orphanet 970, MedGen C1855739, MONDO:0009459, OMIM 243000.
Neuropathy, hereditary sensory and autonomic, type 2A (HSAN2A). Also called: MORVAN DISEASE; NEUROPATHY, CONGENITAL SENSORY; NEUROPATHY, HEREDITARY SENSORY RADICULAR, AUTOSOMAL RECESSIVE; NEUROPATHY, HEREDITARY SENSORY, TYPE IIA; NEUROPATHY, PROGRESSIVE SENSORY, OF CHILDREN; HSAN IIA. Identifiers: Orphanet 970, MedGen C2752089, MONDO:0024309, OMIM 201300.
Generalized epilepsy with febrile seizures plus, type 7 (GEFSP7). Also called: GEFS+, TYPE 7. Identifiers: Orphanet 36387, MedGen C2751778, MONDO:0013470, OMIM 613863.
Paroxysmal extreme pain disorder (PEXPD). Also called: PAIN, SUBMANDIBULAR, OCULAR, AND RECTAL, WITH FLUSHING; RECTAL PAIN, FAMILIAL; SCN9A Paroxysmal Extreme Pain Disorder (SCN9A-PEPD). Identifiers: Orphanet 46348, MedGen C1833661, MONDO:0008179, OMIM 167400.
Primary erythromelalgia. Also called: SCN9A Erythromelalgia (SCN9A-EM); primary erythermalgia. Identifiers: Orphanet 306577, Orphanet 90026, MedGen C0014805, MONDO:0007571, OMIM 133020.

Allele frequency attached by ClinVar (database versions not stated): TOPMed 0.00001.
gnomAD v4.1: 12 of 1,613,052 alleles (0.00074%); highest among the groups gnomAD compares: Admixed American, 0.0083%; no homozygotes.

Submissions (5):

Labcorp Genetics (formerly Invitae), Labcorp
Classification: Uncertain significance for Neuropathy, hereditary sensory and autonomic, type 2A; Generalized epilepsy with febrile seizures plus, type 7. Last evaluated: 2025-12-23. Review status: criteria provided, single submitter. Criteria: Invitae Variant Classification Sherloc (09022015). Collection method: clinical testing. Allele origin: germline.
Comment: This sequence change replaces methionine, which is neutral and non-polar, with leucine, which is neutral and non-polar, at codon 403 of the SCN9A protein (p.Met403Leu). This variant is present in population databases (no rsID available, gnomAD 0.01%). This variant has not been reported in the literature in individuals affected with SCN9A-related conditions. ClinVar contains an entry for this variant (Variation ID: 331993). Invitae Evidence Modeling of protein sequence and biophysical properties (such as structural, functional, and spatial information, amino acid conservation, physicochemical variation, residue mobility, and thermodynamic stability) indicates that this missense variant is not expected to disrupt SCN9A protein function with a negative predictive value of 80%. In summary, the available evidence is currently insufficient to determine the role of this variant in disease. Therefore, it has been classified as a Variant of Uncertain Significance.

GeneDx
Classification: Uncertain significance. Last evaluated: 2019-08-12. Review status: criteria provided, single submitter. Criteria: GeneDx Variant Classification Process June 2021. Collection method: clinical testing. Allele origin: germline. Affected: yes.
Comment: In silico analysis, which includes protein predictors and evolutionary conservation, supports a deleterious effect; Has not been previously published as pathogenic or benign to our knowledge

Illumina Laboratory Services, Illumina
Classification: Uncertain significance for Paroxysmal extreme pain disorder. Last evaluated: 2018-01-13. Review status: criteria provided, single submitter. Criteria: ICSL Variant Classification Criteria 13 December 2019. Collection method: clinical testing. Allele origin: germline.

Illumina Laboratory Services, Illumina
Classification: Uncertain significance for Channelopathy-associated congenital insensitivity to pain, autosomal recessive. Last evaluated: 2018-01-13. Review status: criteria provided, single submitter. Criteria: ICSL Variant Classification Criteria 13 December 2019. Collection method: clinical testing. Allele origin: germline.

Illumina Laboratory Services, Illumina
Classification: Uncertain significance for Primary erythromelalgia. Last evaluated: 2018-01-13. Review status: criteria provided, single submitter. Criteria: ICSL Variant Classification Criteria 13 December 2019. Collection method: clinical testing. Allele origin: germline.